The following is an entry in ClinVar:

ClinVar aggregate classification (germline): Pathogenic. Review status: criteria provided, multiple submitters, no conflicts (2 of 4 stars). 2 submissions from 2 submitters: Pathogenic (2). Last evaluated 2026-03-02.

Conditions:
Hereditary cancer-predisposing syndrome. Also called: Hereditary Cancer Syndrome; Hereditary neoplastic syndrome; Neoplastic Syndromes, Hereditary; Tumor predisposition. Identifiers: Orphanet 140162, MedGen C0027672, MeSH D009386, MONDO:0015356.
Tumor predisposition syndrome 3 (TPDS3). Also called: Glioma susceptibility 9; LONG TELOMERE SYNDROME, POT1-RELATED; POT1 Tumor Predisposition; Melanoma, cutaneous malignant, susceptibility to, 10. Identifiers: Orphanet 618, MedGen C4014476, MONDO:0014368, OMIM 615848.

Submissions (2):

Ambry Genetics
Classification: Pathogenic for Hereditary cancer-predisposing syndrome. Last evaluated: 2026-03-02. Review status: criteria provided, single submitter. Criteria: Ambry Variant Classification Scheme 2023. Collection method: clinical testing. Allele origin: germline.
Comment: The p.Q16* pathogenic mutation (also known as c.46C>T), located in coding exon 2 of the POT1 gene, results from a C to T substitution at nucleotide position 46. This changes the amino acid from a glutamine to a stop codon within coding exon 2. This variant is considered to be rare based on population cohorts in the Genome Aggregation Database (gnomAD). This alteration is expected to result in loss of function by premature protein truncation or nonsense-mediated mRNA decay. As such, this alteration is interpreted as a disease-causing mutation.

Labcorp Genetics (formerly Invitae), Labcorp
Classification: Pathogenic for Tumor predisposition syndrome 3. Last evaluated: 2025-12-08. Review status: criteria provided, single submitter. Criteria: Invitae Variant Classification Sherloc (09022015). Collection method: clinical testing. Allele origin: germline.
Comment: This sequence change creates a premature translational stop signal (p.Gln16*) in the POT1 gene. It is expected to result in an absent or disrupted protein product. Loss-of-function variants in POT1 are known to be pathogenic (PMID: 32155570). This variant is not present in population databases (gnomAD no frequency). This variant has not been reported in the literature in individuals affected with POT1-related conditions. ClinVar contains an entry for this variant (Variation ID: 3729289). For these reasons, this variant has been classified as Pathogenic.

Literature cited by the submitters: PubMed 32155570 (cited by Labcorp Genetics (formerly Invitae), Labcorp).

NM_015450.3(POT1):c.46C>T (p.Gln16Ter)

Gene: POT1 (protection of telomeres 1; minus strand). Cytogenetic location: 7q31.33.
Variant type: single nucleotide variant.
Coding change: c.46C>T on transcript NM_015450.3 (MANE Select); coding-DNA position 46, C replaced by T.
Protein change: p.Gln16Ter; replaces glutamine 16 with a stop codon.
Molecular consequence: nonsense. On other transcripts: 5 prime UTR variant (1), non-coding transcript variant (3).
Genome position (GRCh38, 1-based): chr7:124,892,344, G>A on the plus strand (C>T on the coding strand, the complement: POT1 is on the minus strand). VCF-style: chr7-124892344-G-A. GRCh37 (hg19) VCF-style: chr7-124532398-G-A.
Other names: c.46C>T (NM_015450.2); c.-217C>T (NM_001042594.2); short protein forms Q16*.
Identifiers: ClinVar variation 3729289 (VCV003729289.3).